The following is an entry in ClinVar:

ClinVar aggregate classification (germline): Likely benign. Review status: criteria provided, multiple submitters, no conflicts (2 of 4 stars). 3 submissions from 3 submitters: Likely benign (3). Last evaluated 2026-04-01.

Allele frequency attached by ClinVar (database versions not stated): 1000 Genomes Project 0.00020; 1000 Genomes Project 30x 0.00031; TOPMed 0.00035; gnomAD 0.00036; gnomAD exomes 0.00052 and 0.00070; ESP Exome Variant Server 0.00060; ExAC 0.00088.
gnomAD v4.1: 810 of 1,604,732 alleles (0.05%); highest among the groups gnomAD compares: South Asian, 0.11%; 4 homozygotes.

Submissions (3):

CeGaT Center for Human Genetics Tuebingen
Classification: Likely benign. Last evaluated: 2026-04-01. Review status: criteria provided, single submitter. Criteria: CeGaT Center For Human Genetics Tuebingen Variant Classification Criteria Version 2. Collection method: clinical testing. Allele origin: germline. Affected: yes. Observed: 1 variant allele.
Comment: PCLO: BP4, BP7

Labcorp Genetics (formerly Invitae), Labcorp
Classification: Likely benign. Last evaluated: 2026-01-26. Review status: criteria provided, single submitter. Criteria: Invitae Variant Classification Sherloc (09022015). Collection method: clinical testing. Allele origin: germline.

Blueprint Genetics
Classification: Likely benign. Last evaluated: 2024-11-26. Review status: criteria provided, single submitter. Criteria: ACMG Guidelines, 2015. Collection method: clinical testing. Allele origin: germline.

NM_033026.6(PCLO):c.3666T>C (p.Pro1222=)

Gene: PCLO (piccolo presynaptic cytomatrix protein; minus strand). Cytogenetic location: 7q21.11.
Variant type: single nucleotide variant.
Coding change: c.3666T>C on transcript NM_033026.6 (MANE Select); coding-DNA position 3666, T replaced by C.
Protein change: p.Pro1222=; no amino-acid change (proline 1222 retained).
Molecular consequence: synonymous variant.
Genome position (GRCh38, 1-based): chr7:82,966,122, A>G on the plus strand (T>C on the coding strand, the complement: PCLO is on the minus strand). VCF-style: chr7-82966122-A-G. GRCh37 (hg19) VCF-style: chr7-82595438-A-G.
Other names: c.3666T>C, p.Pro1222= (NM_014510.3).
Identifiers: ClinVar variation 1096651 (VCV001096651.12), dbSNP rs367747107, ClinGen allele CA4320989.